The following is an entry in ClinVar:

ClinVar aggregate classification (germline): Uncertain significance (1 of 4 stars; one submission).

Conditions:
Neuropathy, hereditary sensory, type 1F. Also called: Hereditary sensory neuropathy type IF; HSN IF. Identifiers: Orphanet 36386, MedGen C3810194, MONDO:0014286, OMIM 615632.

gnomAD v4.1: 1 of 1,604,448 alleles (0.000062%); highest among the groups gnomAD compares: Non-Finnish European, 0.000085%; no homozygotes.

Submission:

Labcorp Genetics (formerly Invitae), Labcorp
Classification: Uncertain significance for Neuropathy, hereditary sensory, type 1F. Last evaluated: 2023-11-09. Review status: criteria provided, single submitter. Criteria: Invitae Variant Classification Sherloc (09022015). Collection method: clinical testing. Allele origin: germline.
Comment: This sequence change replaces aspartic acid, which is acidic and polar, with glycine, which is neutral and non-polar, at codon 198 of the ATL3 protein (p.Asp198Gly). This variant is not present in population databases (gnomAD no frequency). This variant has not been reported in the literature in individuals affected with ATL3-related conditions. Advanced modeling of protein sequence and biophysical properties (such as structural, functional, and spatial information, amino acid conservation, physicochemical variation, residue mobility, and thermodynamic stability) performed at Invitae indicates that this missense variant is not expected to disrupt ATL3 protein function with a negative predictive value of 80%. In summary, the available evidence is currently insufficient to determine the role of this variant in disease. Therefore, it has been classified as a Variant of Uncertain Significance.

NM_015459.5(ATL3):c.593A>G (p.Asp198Gly)

Genes: ATL3 (atlastin GTPase 3; minus strand), LNCROPM (lncRNA regulator of PLAAT3 mediated phospholipid metabolism; plus strand). Cytogenetic location: 11q13.1.
Variant type: single nucleotide variant.
Coding change: c.593A>G on transcript NM_015459.5 (MANE Select); coding-DNA position 593, A replaced by G.
Protein change: p.Asp198Gly; replaces aspartic acid 198 with glycine.
Molecular consequence: missense variant.
Genome position (GRCh38, 1-based): chr11:63,646,532, T>C on the plus strand (A>G on the coding strand, the complement: ATL3 is on the minus strand). VCF-style: chr11-63646532-T-C. GRCh37 (hg19) VCF-style: chr11-63414004-T-C.
Other names: c.539A>G, p.Asp180Gly (NM_001290048.2); short protein forms D198G, D180G.
Identifiers: ClinVar variation 2838460 (VCV002838460.3), dbSNP rs141657683, ClinGen allele CA381025930.